The following is an entry in ClinVar:

ClinVar aggregate classification (germline): Uncertain significance. Review status: criteria provided, multiple submitters, no conflicts (2 of 4 stars). 3 submissions from 3 submitters: Uncertain significance (3). Last evaluated 2025-08-27.

Conditions:
MTMR14-related disorder. Also called: MTMR14-related condition.

Allele frequency attached by ClinVar (database versions not stated): gnomAD 0.00003; gnomAD exomes 0.00003 and 0.00007; TOPMed 0.00003; ExAC 0.00005.
gnomAD v4.1: 110 of 1,614,106 alleles (0.0068%); highest among the groups gnomAD compares: Non-Finnish European, 0.0084%; no homozygotes.

Submissions (3):

Ambry Genetics
Classification: Uncertain significance. Last evaluated: 2025-08-27. Review status: criteria provided, single submitter. Criteria: Ambry Variant Classification Scheme 2023. Collection method: clinical testing. Allele origin: germline.

Labcorp Genetics (formerly Invitae), Labcorp
Classification: Uncertain significance. Last evaluated: 2025-08-19. Review status: criteria provided, single submitter. Criteria: Invitae Variant Classification Sherloc (09022015). Collection method: clinical testing. Allele origin: germline.
Comment: This sequence change replaces tyrosine, which is neutral and polar, with histidine, which is basic and polar, at codon 210 of the MTMR14 protein (p.Tyr210His). This variant is present in population databases (rs759953370, gnomAD 0.007%). This variant has not been reported in the literature in individuals affected with MTMR14-related conditions. ClinVar contains an entry for this variant (Variation ID: 1416585). Invitae Evidence Modeling of protein sequence and biophysical properties (such as structural, functional, and spatial information, amino acid conservation, physicochemical variation, residue mobility, and thermodynamic stability) indicates that this missense variant is not expected to disrupt MTMR14 protein function with a negative predictive value of 80%. In summary, the available evidence is currently insufficient to determine the role of this variant in disease. Therefore, it has been classified as a Variant of Uncertain Significance.

PreventionGenetics, part of Exact Sciences
Classification: Uncertain significance for MTMR14-related condition. Last evaluated: 2025-06-04. Review status: criteria provided, single submitter. Criteria: ACMG Guidelines, 2015. Collection method: clinical testing. Allele origin: germline.
Comment: The MTMR14 c.628T>C variant is predicted to result in the amino acid substitution p.Tyr210His. To our knowledge, this variant has not been reported in the literature. This variant is reported in 0.0071% of alleles in individuals of European (non-Finnish) descent in gnomAD. At this time, the clinical significance of this variant is uncertain due to the absence of conclusive functional and genetic evidence.

NM_001077525.3(MTMR14):c.628T>C (p.Tyr210His)

Gene: MTMR14 (myotubularin related protein 14; plus strand). Cytogenetic location: 3p25.3.
Variant type: single nucleotide variant.
Coding change: c.628T>C on transcript NM_001077525.3 (MANE Select); coding-DNA position 628, T replaced by C.
Protein change: p.Tyr210His; replaces tyrosine 210 with histidine.
Molecular consequence: missense variant.
Genome position (GRCh38, 1-based): chr3:9,671,121, T>C. VCF-style: chr3-9671121-T-C. GRCh37 (hg19) VCF-style: chr3-9712805-T-C.
Other names: c.628T>C (NM_022485.4); c.628T>C, p.Tyr210His (NM_001077526.3, NM_022485.5); short protein forms Y210H.
Identifiers: ClinVar variation 1416585 (VCV001416585.9), dbSNP rs759953370, ClinGen allele CA2240377.